The following is an entry in ClinVar:

NM_000505.4(F12):c.1354G>A (p.Ala452Thr)

Gene: F12 (coagulation factor XII; minus strand). Cytogenetic location: 5q35.3.
Variant type: single nucleotide variant.
Coding change: c.1354G>A on transcript NM_000505.4 (MANE Select); coding-DNA position 1354, G replaced by A.
Protein change: p.Ala452Thr; replaces alanine 452 with threonine.
Molecular consequence: missense variant.
Genome position (GRCh38, 1-based): chr5:177,403,514, C>T on the plus strand (G>A on the coding strand, the complement: F12 is on the minus strand). VCF-style: chr5-177403514-C-T. GRCh37 (hg19) VCF-style: chr5-176830515-C-T.
Other names: short protein forms A452T.
Identifiers: ClinVar variation 2443589 (VCV002443589.2), dbSNP rs772974790, ClinGen allele CA3581190.

ClinVar aggregate classification (germline): Uncertain significance. Review status: criteria provided, multiple submitters, no conflicts (2 of 4 stars). 2 submissions from 2 submitters: Uncertain significance (2). Last evaluated 2025-06-07.

Conditions:
Inborn genetic diseases. Identifiers: MedGen C0950123, MeSH D030342.

Allele frequency attached by ClinVar (database versions not stated): gnomAD exomes below 0.00001; ExAC 0.00003; TOPMed 0.00006; gnomAD 0.00007.
gnomAD v4.1: 16 of 1,578,948 alleles (0.001%); highest among the groups gnomAD compares: African/African-American, 0.02%; no homozygotes.

Submissions (2):

Ambry Genetics
Classification: Uncertain significance for Inborn genetic diseases. Last evaluated: 2025-06-07. Review status: criteria provided, single submitter. Criteria: Ambry Variant Classification Scheme 2023. Collection method: clinical testing. Allele origin: germline.

GeneDx
Classification: Uncertain significance. Last evaluated: 2022-09-12. Review status: criteria provided, single submitter. Criteria: GeneDx Variant Classification Process June 2021. Collection method: clinical testing. Allele origin: germline. Affected: yes.
Comment: In silico analysis supports that this missense variant does not alter protein structure/function; Has not been previously published as pathogenic or benign to our knowledge